The following is an entry in ClinVar:

ClinVar aggregate classification (germline): Conflicting classifications of pathogenicity. Review status: criteria provided, conflicting classifications (1 of 4 stars). 3 submissions from 3 submitters: Likely pathogenic (1); Uncertain significance (2). Last evaluated 2025-05-27.

Conditions:
Hypertrophic cardiomyopathy 26. Also called: Cardiomyopathy, familial hypertrophic, 26. Identifiers: Orphanet 75249, MedGen C4310749, MONDO:0014883, OMIM 617047.
Myofibrillar myopathy 5. Also called: Filaminopathy (type); FILAMINOPATHY, AUTOSOMAL DOMINANT. Identifiers: Orphanet 171445, MedGen C1836050, MONDO:0012289, OMIM 609524.
Distal myopathy with posterior leg and anterior hand involvement. Also called: WILLIAMS DISTAL MYOPATHY. Identifiers: Orphanet 63273, MedGen C3279722, MONDO:0013550, OMIM 614065.
Cardiovascular phenotype. Identifiers: MedGen CN230736.

Allele frequency attached by ClinVar (database versions not stated): gnomAD exomes below 0.00001; gnomAD 0.00001; TOPMed 0.00002.
gnomAD v4.1: 2 of 1,609,544 alleles (0.00012%); highest among the groups gnomAD compares: Non-Finnish European, 0.00017%; no homozygotes.

Submissions (3):

Ambry Genetics
Classification: Uncertain significance for Cardiovascular phenotype. Last evaluated: 2025-05-27. Review status: criteria provided, single submitter. Criteria: Ambry Variant Classification Scheme 2023. Collection method: clinical testing. Allele origin: germline.
Comment: The p.P2298H variant (also known as c.6893C>A), located in coding exon 41 of the FLNC gene, results from a C to A substitution at nucleotide position 6893. The proline at codon 2298 is replaced by histidine, an amino acid with similar properties. This amino acid position is conserved. In addition, this alteration is predicted to be deleterious by in silico analysis. Based on the available evidence, the clinical significance of this variant remains unclear.

Institute of Human Genetics, Heidelberg University
Classification: Likely pathogenic for Hypertrophic cardiomyopathy 26. Last evaluated: 2023-07-10. Review status: criteria provided, single submitter. Criteria: ACMG Guidelines, 2015. Collection method: clinical testing. Allele origin: germline.

Labcorp Genetics (formerly Invitae), Labcorp
Classification: Uncertain significance for Distal myopathy with posterior leg and anterior hand involvement; Myofibrillar myopathy 5; Hypertrophic cardiomyopathy 26. Last evaluated: 2023-05-12. Review status: criteria provided, single submitter. Criteria: Invitae Variant Classification Sherloc (09022015). Collection method: clinical testing. Allele origin: germline.
Comment: In summary, the available evidence is currently insufficient to determine the role of this variant in disease. Therefore, it has been classified as a Variant of Uncertain Significance. Advanced modeling of protein sequence and biophysical properties (such as structural, functional, and spatial information, amino acid conservation, physicochemical variation, residue mobility, and thermodynamic stability) performed at Invitae indicates that this missense variant is not expected to disrupt FLNC protein function. This variant has not been reported in the literature in individuals affected with FLNC-related conditions. This variant is not present in population databases (gnomAD no frequency). This sequence change replaces proline, which is neutral and non-polar, with histidine, which is basic and polar, at codon 2298 of the FLNC protein (p.Pro2298His).

NM_001458.5(FLNC):c.6893C>A (p.Pro2298His)

Genes: FLNC-AS1 (FLNC antisense RNA 1; minus strand), FLNC (filamin C; plus strand). Cytogenetic location: 7q32.1.
Variant type: single nucleotide variant.
Coding change: c.6893C>A on transcript NM_001458.5 (MANE Select); coding-DNA position 6893, C replaced by A.
Protein change: p.Pro2298His; replaces proline 2298 with histidine.
Molecular consequence: missense variant.
Genome position (GRCh38, 1-based): chr7:128,854,578, C>A. VCF-style: chr7-128854578-C-A. GRCh37 (hg19) VCF-style: chr7-128494632-C-A.
Other names: c.6794C>A, p.Pro2265His (NM_001127487.2); short protein forms P2265H, P2298H.
Identifiers: ClinVar variation 2940540 (VCV002940540.6), dbSNP rs1382734231, ClinGen allele CA369214088.